The following is an entry in ClinVar:

NM_015335.5(MED13L):c.2908T>C (p.Cys970Arg)

Gene: MED13L (mediator complex subunit 13L; minus strand). Cytogenetic location: 12q24.21.
Variant type: single nucleotide variant.
Coding change: c.2908T>C on transcript NM_015335.5 (MANE Select); coding-DNA position 2908, T replaced by C.
Protein change: p.Cys970Arg; replaces cysteine 970 with arginine.
Molecular consequence: missense variant.
Genome position (GRCh38, 1-based): chr12:115,996,564, A>G on the plus strand (T>C on the coding strand, the complement: MED13L is on the minus strand). VCF-style: chr12-115996564-A-G. GRCh37 (hg19) VCF-style: chr12-116434369-A-G.
Other names: short protein forms C970R.
Identifiers: ClinVar variation 2572851 (VCV002572851.1), dbSNP rs771745124, ClinGen allele CA6811076.

ClinVar aggregate classification (germline): Uncertain significance (1 of 4 stars; one submission).

Allele frequency attached by ClinVar (database versions not stated): gnomAD exomes below 0.00001; ExAC 0.00001.
gnomAD v4.1: 1 of 1,614,216 alleles (0.000062%); highest among the groups gnomAD compares: East Asian, 0.0022%; no homozygotes.

Submission:

GeneDx
Classification: Uncertain significance. Last evaluated: 2023-01-13. Review status: criteria provided, single submitter. Criteria: GeneDx Variant Classification Process June 2021. Collection method: clinical testing. Allele origin: germline. Affected: yes.
Comment: In silico analysis supports that this missense variant has a deleterious effect on protein structure/function; Has not been previously published as pathogenic or benign to our knowledge